The following is an entry in ClinVar:

NM_006096.4(NDRG1):c.601A>G (p.Met201Val)

Gene: NDRG1 (N-myc downstream regulated 1; minus strand). Cytogenetic location: 8q24.22.
Variant type: single nucleotide variant.
Coding change: c.601A>G on transcript NM_006096.4 (MANE Select); coding-DNA position 601, A replaced by G.
Protein change: p.Met201Val; replaces methionine 201 with valine.
Molecular consequence: missense variant.
Genome position (GRCh38, 1-based): chr8:133,250,537, T>C on the plus strand (A>G on the coding strand, the complement: NDRG1 is on the minus strand). VCF-style: chr8-133250537-T-C. GRCh37 (hg19) VCF-style: chr8-134262780-T-C.
Other names: c.601A>G, p.Met201Val (NM_001135242.2, NM_001374845.1, NM_001374846.1); c.403A>G, p.Met135Val (NM_001258432.2, NM_001374847.1); c.358A>G, p.Met120Val (NM_001258433.2); c.652A>G, p.Met218Val (NM_001374844.1); short protein forms M135V, M120V, M201V, M218V.
Identifiers: ClinVar variation 2193643 (VCV002193643.1), dbSNP rs752503268, ClinGen allele CA4886660.

ClinVar aggregate classification (germline): Uncertain significance (1 of 4 stars; one submission).

Conditions:
Charcot-Marie-Tooth disease type 4. Also called: Charcot-Marie-Tooth disease, type IV; Charcot-Marie-Tooth, Type 4. Identifiers: Orphanet 64749, MedGen C4082197, MONDO:0018995.

Allele frequency attached by ClinVar (database versions not stated): TOPMed 0.00001; ExAC 0.00002; gnomAD 0.00002; gnomAD exomes 0.00002.
gnomAD v4.1: 30 of 1,613,876 alleles (0.0019%); highest among the groups gnomAD compares: South Asian, 0.02%; no homozygotes.

Submission:

Labcorp Genetics (formerly Invitae), Labcorp
Classification: Uncertain significance for Charcot-Marie-Tooth disease type 4. Last evaluated: 2022-05-11. Review status: criteria provided, single submitter. Criteria: Invitae Variant Classification Sherloc (09022015). Collection method: clinical testing. Allele origin: germline.
Comment: This sequence change replaces methionine, which is neutral and non-polar, with valine, which is neutral and non-polar, at codon 201 of the NDRG1 protein (p.Met201Val). This variant is present in population databases (rs752503268, gnomAD 0.01%). This variant has not been reported in the literature in individuals affected with NDRG1-related conditions. Algorithms developed to predict the effect of missense changes on protein structure and function (SIFT, PolyPhen-2, Align-GVGD) all suggest that this variant is likely to be tolerated. In summary, the available evidence is currently insufficient to determine the role of this variant in disease. Therefore, it has been classified as a Variant of Uncertain Significance.